The following is an entry in ClinVar:

ClinVar aggregate classification (germline): Benign. Review status: criteria provided, multiple submitters, no conflicts (2 of 4 stars). 3 submissions from 3 submitters: Benign (2). 1 of the submissions does not count toward it. Last evaluated 2025-12-23.

Conditions:
PIBF1-related disorder. Also called: PIBF1-related condition.

Allele frequency attached by ClinVar (database versions not stated): gnomAD exomes 0.00055 and 0.00159; ExAC 0.00212; gnomAD 0.00636 and 0.00689; 1000 Genomes Project 30x 0.00656; 1000 Genomes Project 0.00699; TOPMed 0.00706; ESP Exome Variant Server 0.00769.
gnomAD v4.1: 1,817 of 1,598,884 alleles (0.11%); highest among the groups gnomAD compares: African/African-American, 2.1%; 23 homozygotes.

Submissions (3):

Labcorp Genetics (formerly Invitae), Labcorp
Classification: Benign. Last evaluated: 2025-12-23. Review status: criteria provided, single submitter. Criteria: Invitae Variant Classification Sherloc (09022015). Collection method: clinical testing. Allele origin: germline.

Breakthrough Genomics
Classification: Benign. Review status: criteria provided, single submitter. Criteria: ACMG Guidelines, 2015. Collection method: not provided. Allele origin: germline. Inheritance: Autosomal recessive inheritance. Affected: yes.

PreventionGenetics, part of Exact Sciences
Classification: Benign for PIBF1-related condition. Last evaluated: 2019-05-08. Review status: no assertion criteria provided. Collection method: clinical testing. Allele origin: germline. Not counted in ClinVar's aggregate classification.
Comment: This variant is classified as benign based on ACMG/AMP sequence variant interpretation guidelines (Richards et al. 2015 PMID: 25741868, with internal and published modifications).

NM_006346.4(PIBF1):c.1679A>G (p.Tyr560Cys)

Gene: PIBF1 (progesterone immunomodulatory binding factor 1; plus strand). Cytogenetic location: 13q22.1.
Variant type: single nucleotide variant.
Coding change: c.1679A>G on transcript NM_006346.4 (MANE Select); coding-DNA position 1679, A replaced by G.
Protein change: p.Tyr560Cys; replaces tyrosine 560 with cysteine.
Molecular consequence: missense variant. On other transcripts: non-coding transcript variant (2).
Genome position (GRCh38, 1-based): chr13:72,917,115, A>G. VCF-style: chr13-72917115-A-G. GRCh37 (hg19) VCF-style: chr13-73491253-A-G.
Other names: c.1766A>G, p.Tyr589Cys (NM_001349655.2); short protein forms Y589C, Y560C.
Identifiers: ClinVar variation 790855 (VCV000790855.12), dbSNP rs78283122, ClinGen allele CA7002367.